The following is an entry in ClinVar:

ClinVar aggregate classification (germline): Conflicting classifications of pathogenicity. Review status: criteria provided, conflicting classifications (1 of 4 stars). 3 submissions from 3 submitters: Uncertain significance (2); Likely benign (1). Last evaluated 2025-12-14.

Conditions:
Fanconi anemia (FA). Also called: Fanconi's anemia. Identifiers: Orphanet 84, MedGen C0015625, MeSH D005199, MONDO:0019391.
Inborn genetic diseases. Identifiers: MedGen C0950123, MeSH D030342.
Fanconi anemia complementation group P. Also called: SLX4-Related Fanconi Anemia. Identifiers: Orphanet 84, MedGen C3469542, MONDO:0013499, OMIM 613951.

Allele frequency attached by ClinVar (database versions not stated): ExAC 0.00001; gnomAD exomes 0.00002; gnomAD 0.00004; TOPMed 0.00004; ESP Exome Variant Server 0.00008.
gnomAD v4.1: 35 of 1,613,936 alleles (0.0022%); highest among the groups gnomAD compares: Non-Finnish European, 0.0029%; no homozygotes.

Submissions (3):

Labcorp Genetics (formerly Invitae), Labcorp
Classification: Uncertain significance for Fanconi anemia. Last evaluated: 2025-12-14. Review status: criteria provided, single submitter. Criteria: Invitae Variant Classification Sherloc (09022015). Collection method: clinical testing. Allele origin: germline.
Comment: This sequence change replaces histidine, which is basic and polar, with arginine, which is basic and polar, at codon 955 of the SLX4 protein (p.His955Arg). This variant is present in population databases (rs143694260, gnomAD 0.005%). This variant has not been reported in the literature in individuals affected with SLX4-related conditions. ClinVar contains an entry for this variant (Variation ID: 1017318). An algorithm developed to predict the effect of missense changes on protein structure and function outputs the following: PolyPhen-2: "Benign". The arginine amino acid residue is found in multiple mammalian species, which suggests that this missense change does not adversely affect protein function. In summary, the available evidence is currently insufficient to determine the role of this variant in disease. Therefore, it has been classified as a Variant of Uncertain Significance.

Ambry Genetics
Classification: Likely benign for Inborn genetic diseases. Last evaluated: 2025-01-10. Review status: criteria provided, single submitter. Criteria: Ambry Variant Classification Scheme 2023. Collection method: clinical testing. Allele origin: germline.

Fulgent Genetics
Classification: Uncertain significance for Fanconi anemia complementation group P. Last evaluated: 2022-05-24. Review status: criteria provided, single submitter. Criteria: ACMG Guidelines, 2015. Collection method: clinical testing. Allele origin: unknown.

NM_032444.4(SLX4):c.2864A>G (p.His955Arg)

Gene: SLX4 (SLX4 structure-specific endonuclease subunit; minus strand). Cytogenetic location: 16p13.3.
Variant type: single nucleotide variant.
Coding change: c.2864A>G on transcript NM_032444.4 (MANE Select); coding-DNA position 2864, A replaced by G.
Protein change: p.His955Arg; replaces histidine 955 with arginine.
Molecular consequence: missense variant.
Genome position (GRCh38, 1-based): chr16:3,590,774, T>C on the plus strand (A>G on the coding strand, the complement: SLX4 is on the minus strand). VCF-style: chr16-3590774-T-C. GRCh37 (hg19) VCF-style: chr16-3640775-T-C.
Other names: c.2864A>G (NM_032444.2); short protein forms H955R.
Identifiers: ClinVar variation 1017318 (VCV001017318.8), dbSNP rs143694260, ClinGen allele CA7866049.